The following is an entry in ClinVar:

ClinVar aggregate classification (germline): Pathogenic (1 of 4 stars; one submission).

Conditions:
Intellectual developmental disorder, autosomal dominant 75. Identifiers: MedGen C5975482, MONDO:0975838, OMIM 620988.

Submission:

Victorian Clinical Genetics Services, Murdoch Childrens Research Institute
Classification: Pathogenic for Intellectual developmental disorder, autosomal dominant 75. Last evaluated: 2026-07-20. Review status: criteria provided, single submitter. Criteria: ACMG Guidelines, 2015. Collection method: clinical testing. Allele origin: germline. Affected: yes.
Comment: This variant is classified as Pathogenic. Evidence in support of pathogenic classification: This variant is predicted to cause nonsense-mediated decay (NMD) and loss of protein (premature termination codon is located at least 54 nucleotides upstream of the final exon-exon junction); This variant is absent from gnomAD v4; Other variants comparable to the one identified in this case have very strong previous evidence for pathogenicity (DECIPHER, PMID: 37467750). Additional information: This variant is heterozygous; This gene is associated with autosomal dominant disease; This variant has no previous evidence of pathogenicity; No published evidence of segregation with disease has been identified for this variant; No published functional evidence has been identified for this variant; Loss of function is likely a mechanism of disease in this gene and is associated with intellectual developmental disorder, 75 (MIM#620988). In addition, gain of function and dominant negative have also been suggested for intellectual developmental disorder, 75 (MIM#620988) and Charcot-Marie-Tooth disease (MONDO:0015626), DHX9-related. The genotype-phenotype correlation is still emerging, however variants affecting the nuclear localisation signal have been associated with a more severe phenotype (PMID: 37467750); Variants in this gene are known to have variable expressivity (OMIM, PMID: 37467750).

Literature cited by the submitters: PubMed 37467750.

NM_001357.5(DHX9):c.1758del (p.Pro587fs)

Gene: DHX9 (DExH-box helicase 9; plus strand). Cytogenetic location: 1q25.3.
Variant type: Deletion.
Coding change: c.1758del on transcript NM_001357.5 (MANE Select); coding-DNA position 1758, one base deleted (T; older notation c.1758delT).
Protein change: p.Pro587fs; shifts the reading frame from proline 587.
Molecular consequence: frameshift variant. On other transcripts: non-coding transcript variant (1).
Genome position (GRCh38, 1-based): chr1:182,874,897, T deleted. VCF-style (leftmost placement, unchanged base first): chr1-182874896-CT-C. GRCh37 (hg19) VCF-style: chr1-182844031-CT-C.
Other names: short protein forms P587fs.
Identifiers: ClinVar variation 4879790 (VCV004879790.1).